The following is an entry in ClinVar:

NM_004408.4(DNM1):c.1409G>C (p.Arg470Pro)

Gene: DNM1 (dynamin 1; plus strand). Cytogenetic location: 9q34.11.
Variant type: single nucleotide variant.
Coding change: c.1409G>C on transcript NM_004408.4 (MANE Select); coding-DNA position 1409, G replaced by C.
Protein change: p.Arg470Pro; replaces arginine 470 with proline.
Molecular consequence: missense variant.
Genome position (GRCh38, 1-based): chr9:128,234,094, G>C. VCF-style: chr9-128234094-G-C. GRCh37 (hg19) VCF-style: chr9-130996373-G-C.
Other names: c.1409G>C, p.Arg470Pro (NM_001005336.3, NM_001288737.2, NM_001288738.2 and 2 more transcripts); short protein forms R470P.
Identifiers: ClinVar variation 2663354 (VCV002663354.1), dbSNP rs763830358, ClinGen allele CA375022833.
Genomic context (GRCh38, chr9:128,234,094, plus strand): 5'-CGCGGCTACGGGAGGAGATGGAGCGCATCGTGACCACCCACATCCGGGAGCGCGAGGGCC[G>C]CACTAAGGAGCAGGTGAGCCCCGCAGCACCCGGCCTGGCCGCGCCTTCCTTCCACTCCTG-3'
Protein context (NP_004399.2, residues 460-480): VTTHIREREG[Arg470Pro]TKEQVMLLID

ClinVar aggregate classification (germline): Uncertain significance (1 of 4 stars; one submission).

Submission:

GeneDx
Classification: Uncertain significance. Last evaluated: 2023-04-09. Review status: criteria provided, single submitter. Criteria: GeneDx Variant Classification Process June 2021. Collection method: clinical testing. Allele origin: germline. Affected: yes.
Comment: Not observed at significant frequency in large population cohorts (gnomAD); In silico analysis supports that this missense variant has a deleterious effect on protein structure/function; Has not been previously published as pathogenic or benign to our knowledge